The following is an entry in ClinVar:

ClinVar aggregate classification (germline): Uncertain significance (1 of 4 stars; one submission).

Submission:

Labcorp Genetics (formerly Invitae), Labcorp
Classification: Uncertain significance. Last evaluated: 2022-07-05. Review status: criteria provided, single submitter. Criteria: Invitae Variant Classification Sherloc (09022015). Collection method: clinical testing. Allele origin: germline.
Comment: ClinVar contains an entry for this variant (Variation ID: 1423431). This variant has not been reported in the literature in individuals affected with RDH11-related conditions. This variant is not present in population databases (gnomAD no frequency). This sequence change replaces phenylalanine, which is neutral and non-polar, with serine, which is neutral and polar, at codon 142 of the RDH11 protein (p.Phe142Ser). Algorithms developed to predict the effect of missense changes on protein structure and function (SIFT, PolyPhen-2, Align-GVGD) all suggest that this variant is likely to be disruptive. In summary, the available evidence is currently insufficient to determine the role of this variant in disease. Therefore, it has been classified as a Variant of Uncertain Significance.

NM_016026.4(RDH11):c.425T>C (p.Phe142Ser)

Genes: GPHN (gephyrin; plus strand), RDH11 (retinol dehydrogenase 11; minus strand). Cytogenetic location: 14q24.1.
Variant type: single nucleotide variant.
Coding change: c.425T>C on transcript NM_016026.4 (MANE Select); coding-DNA position 425, T replaced by C.
Protein change: p.Phe142Ser; replaces phenylalanine 142 with serine.
Molecular consequence: missense variant.
Genome position (GRCh38, 1-based): chr14:67,691,169, A>G on the plus strand (T>C on the coding strand, the complement: RDH11 is on the minus strand). VCF-style: chr14-67691169-A-G. GRCh37 (hg19) VCF-style: chr14-68157886-A-G.
Other names: c.425T>C, p.Phe142Ser (NM_001252650.2); short protein forms F142S.
Identifiers: ClinVar variation 1423431 (VCV001423431.4), dbSNP rs2140079929, ClinGen allele CA390135535.